The following is an entry in ClinVar:

NM_000302.4(PLOD1):c.1818C>A (p.Ile606=)

Gene: PLOD1 (procollagen-lysine,2-oxoglutarate 5-dioxygenase 1; plus strand). Cytogenetic location: 1p36.22.
Variant type: single nucleotide variant.
Coding change: c.1818C>A on transcript NM_000302.4 (MANE Select); coding-DNA position 1818, C replaced by A.
Protein change: p.Ile606=; no amino-acid change (isoleucine 606 retained).
Molecular consequence: synonymous variant.
Genome position (GRCh38, 1-based): chr1:11,970,732, C>A. VCF-style: chr1-11970732-C-A. GRCh37 (hg19) VCF-style: chr1-12030789-C-A.
Other names: c.1959C>A, p.Ile653= (NM_001316320.2).
Identifiers: ClinVar variation 292342 (VCV000292342.47), dbSNP rs372579008, ClinGen allele CA598578.

ClinVar aggregate classification (germline): Conflicting classifications of pathogenicity. Review status: criteria provided, conflicting classifications (1 of 4 stars). 7 submissions from 7 submitters: Uncertain significance (1); Likely benign (6). Last evaluated 2026-01-18.

Conditions:
Familial thoracic aortic aneurysm and aortic dissection (TAAD). Also called: Thoracic aortic aneurysms and dissections. Identifiers: Orphanet 91387, MedGen C4707243, MONDO:0019625.
Ehlers-Danlos syndrome, kyphoscoliotic type 1 (EDSKSCL1). Also called: Ehlers-Danlos syndrome, hydroxylysine-deficient; PLOD1-Related Kyphoscoliotic Ehlers-Danlos Syndrome; EHLERS-DANLOS SYNDROME, TYPE VIA; EHLERS-DANLOS SYNDROME, OCULAR-SCOLIOTIC TYPE. Identifiers: Orphanet 1900, MedGen C0268342, MONDO:0016002, OMIM 225400. Disease mechanism: loss of function.

Allele frequency attached by ClinVar (database versions not stated): gnomAD 0.00003; ESP Exome Variant Server 0.00008; TOPMed 0.00011.
gnomAD v4.1: 198 of 1,612,414 alleles (0.012%); highest among the groups gnomAD compares: Admixed American, 0.022%; no homozygotes.

Submissions (7):

Labcorp Genetics (formerly Invitae), Labcorp
Classification: Likely benign for Ehlers-Danlos syndrome, kyphoscoliotic type 1. Last evaluated: 2026-01-18. Review status: criteria provided, single submitter. Criteria: Invitae Variant Classification Sherloc (09022015). Collection method: clinical testing. Allele origin: germline.

Women's Health and Genetics/Laboratory Corporation of America, LabCorp
Classification: Likely benign. Last evaluated: 2025-04-14. Review status: criteria provided, single submitter. Criteria: LabCorp Variant Classification Summary - May 2015. Collection method: clinical testing. Allele origin: germline.

Blueprint Genetics
Classification: Likely benign. Last evaluated: 2024-10-10. Review status: criteria provided, single submitter. Criteria: ACMG Guidelines, 2015. Collection method: clinical testing. Allele origin: germline.

CeGaT Center for Human Genetics Tuebingen
Classification: Likely benign. Last evaluated: 2023-03-01. Review status: criteria provided, single submitter. Criteria: CeGaT Center For Human Genetics Tuebingen Variant Classification Criteria Version 2. Collection method: clinical testing. Allele origin: germline. Affected: yes. Observed: 1 variant allele.
Comment: PLOD1: BP7

GeneDx
Classification: Likely benign. Last evaluated: 2021-03-01. Review status: criteria provided, single submitter. Criteria: GeneDx Variant Classification Process June 2021. Collection method: clinical testing. Allele origin: germline. Affected: yes.

Illumina Laboratory Services, Illumina
Classification: Uncertain significance for Ehlers-Danlos syndrome, kyphoscoliotic type 1. Last evaluated: 2018-01-13. Review status: criteria provided, single submitter. Criteria: ICSL Variant Classification Criteria 13 December 2019. Collection method: clinical testing. Allele origin: germline.

Ambry Genetics
Classification: Likely benign for Familial thoracic aortic aneurysm and aortic dissection. Last evaluated: 2018-01-03. Review status: criteria provided, single submitter. Criteria: Ambry Variant Classification Scheme 2023. Collection method: clinical testing. Allele origin: germline.